The following is an entry in ClinVar:

ClinVar aggregate classification (germline): Likely benign. Review status: criteria provided, multiple submitters, no conflicts (2 of 4 stars). 2 submissions from 2 submitters: Likely benign (2). Last evaluated 2025-11-01.

Conditions:
DLST-related disorder. Also called: DLST-related condition.

gnomAD v4.1: 46 of 1,614,068 alleles (0.0028%); highest among the groups gnomAD compares: Admixed American, 0.028%; no homozygotes.

Submissions (2):

CeGaT Center for Human Genetics Tuebingen
Classification: Likely benign. Last evaluated: 2025-11-01. Review status: criteria provided, single submitter. Criteria: CeGaT Center For Human Genetics Tuebingen Variant Classification Criteria Version 2. Collection method: clinical testing. Allele origin: germline. Affected: yes. Observed: 1 variant allele.
Comment: DLST: BP4, BP7

PreventionGenetics, part of Exact Sciences
Classification: Likely benign for DLST-related condition. Last evaluated: 2024-11-03. Review status: criteria provided, single submitter. Criteria: ACMG Guidelines, 2015. Collection method: clinical testing. Allele origin: germline.
Comment: This variant is classified as likely benign based on ACMG/AMP sequence variant interpretation guidelines (Richards et al. 2015 PMID: 25741868, with internal and published modifications).

NM_001933.5(DLST):c.513G>A (p.Ala171=)

Gene: DLST (dihydrolipoamide S-succinyltransferase; plus strand). Cytogenetic location: 14q24.3.
Variant type: single nucleotide variant.
Coding change: c.513G>A on transcript NM_001933.5 (MANE Select); coding-DNA position 513, G replaced by A.
Protein change: p.Ala171=; no amino-acid change (alanine 171 retained).
Molecular consequence: synonymous variant. On other transcripts: non-coding transcript variant (2).
Genome position (GRCh38, 1-based): chr14:74,892,904, G>A. VCF-style: chr14-74892904-G-A. GRCh37 (hg19) VCF-style: chr14-75359607-G-A.
Other names: c.513G>A (NM_001933.4).
Identifiers: ClinVar variation 4534105 (VCV004534105.7).